The following is an entry in ClinVar:

NM_173689.7(CRB2):c.1050C>T (p.Tyr350=)

Gene: CRB2 (crumbs cell polarity complex component 2; plus strand). Cytogenetic location: 9q33.3.
Variant type: single nucleotide variant.
Coding change: c.1050C>T on transcript NM_173689.7 (MANE Select); coding-DNA position 1050, C replaced by T.
Protein change: p.Tyr350=; no amino-acid change (tyrosine 350 retained).
Molecular consequence: synonymous variant.
Genome position (GRCh38, 1-based): chr9:123,367,682, C>T. VCF-style: chr9-123367682-C-T. GRCh37 (hg19) VCF-style: chr9-126129961-C-T.
Identifiers: ClinVar variation 3030629 (VCV003030629.4), dbSNP rs144488884, ClinGen allele CA5231876.

ClinVar aggregate classification (germline): Likely benign. Review status: criteria provided, single submitter (1 of 4 stars). 2 submissions from 2 submitters: Likely benign (1). 1 of the submissions does not count toward it. Last evaluated 2025-06-12.

Conditions:
CRB2-related disorder. Also called: CRB2-related condition; CRB2-related disorders.

Allele frequency attached by ClinVar (database versions not stated): TOPMed 0.00001; gnomAD exomes 0.00002; ESP Exome Variant Server 0.00008; ExAC 0.00008.
gnomAD v4.1: 32 of 1,554,444 alleles (0.0021%); highest among the groups gnomAD compares: South Asian, 0.0059%; no homozygotes.

Submissions (2):

Labcorp Genetics (formerly Invitae), Labcorp
Classification: Likely benign. Last evaluated: 2025-06-12. Review status: criteria provided, single submitter. Criteria: Invitae Variant Classification Sherloc (09022015). Collection method: clinical testing. Allele origin: germline.

PreventionGenetics, part of Exact Sciences
Classification: Likely benign for CRB2-related condition. Last evaluated: 2021-08-04. Review status: no assertion criteria provided. Collection method: clinical testing. Allele origin: germline. Not counted in ClinVar's aggregate classification.
Comment: This variant is classified as likely benign based on ACMG/AMP sequence variant interpretation guidelines (Richards et al. 2015 PMID: 25741868, with internal and published modifications).